The following is an entry in ClinVar:

ClinVar aggregate classification (germline): Uncertain significance (1 of 4 stars; one submission).

Conditions:
Osteogenesis imperfecta type I (OI1). Also called: Lobstein's Disease; OI, TYPE I; OSTEOGENESIS IMPERFECTA TARDA; OSTEOGENESIS IMPERFECTA WITH BLUE SCLERAE; Lobstein disease; Classic Non-deforming Osteogenesis Imperfecta with Blue Sclerae. Identifiers: Orphanet 216796, Orphanet 666, MedGen C0023931, MONDO:0008146, OMIM 166200. Disease mechanism: loss of function.

Allele frequency attached by ClinVar (database versions not stated): gnomAD 0.00001; gnomAD exomes 0.00001; TOPMed 0.00001; ExAC 0.00002; 1000 Genomes Project 30x 0.00016; 1000 Genomes Project 0.00020.

Submission:

Labcorp Genetics (formerly Invitae), Labcorp
Classification: Uncertain significance for Osteogenesis imperfecta type I. Last evaluated: 2019-05-23. Review status: criteria provided, single submitter. Criteria: Invitae Variant Classification Sherloc (09022015). Collection method: clinical testing. Allele origin: germline.
Comment: This sequence change replaces valine with methionine at codon 687 of the COL1A1 protein (p.Val687Met). The valine residue is moderately conserved and there is a small physicochemical difference between valine and methionine. The frequency data for this variant in the population databases is considered unreliable, as metrics indicate poor data quality at this position in the ExAC database. This variant has not been reported in the literature in individuals with COL1A1-related conditions. Algorithms developed to predict the effect of missense changes on protein structure and function are either unavailable or do not agree on the potential impact of this missense change (SIFT: "Deleterious"; PolyPhen-2: "Probably Damaging"; Align-GVGD: "Class C0"). In summary, the available evidence is currently insufficient to determine the role of this variant in disease. Therefore, it has been classified as a Variant of Uncertain Significance.

NM_000088.4(COL1A1):c.2059G>A (p.Val687Met)

Gene: COL1A1 (collagen type I alpha 1 chain; minus strand). Cytogenetic location: 17q21.33.
Variant type: single nucleotide variant.
Coding change: c.2059G>A on transcript NM_000088.4 (MANE Select); coding-DNA position 2059, G replaced by A.
Protein change: p.Val687Met; replaces valine 687 with methionine.
Molecular consequence: missense variant.
Genome position (GRCh38, 1-based): chr17:50,191,856, C>T on the plus strand (G>A on the coding strand, the complement: COL1A1 is on the minus strand). VCF-style: chr17-50191856-C-T. GRCh37 (hg19) VCF-style: chr17-48269217-C-T.
Other names: short protein forms V687M.
Identifiers: ClinVar variation 948191 (VCV000948191.10), dbSNP rs553233250, ClinGen allele CA8644943.
Genomic context (GRCh38, chr17:50,191,856, plus strand): 5'-CATCGTTGCCGGGAGCACCGTTGGCCCCTCGGGGACCAGCAGGACCAGGGGGACCTTGCA[C>T]ACCACGCTCGCCAGGGAAACCTCTCTCGCCCTAGAAGGGAAGGACAGGGCATGTGAAGGC-3'
Protein context (NP_000079.2, residues 677-697): GERGFPGERG[Val687Met]QGPPGPAGPR